The following is an entry in ClinVar:

ClinVar aggregate classification (germline): Likely pathogenic (1 of 4 stars; one submission).

Submission:

Labcorp Genetics (formerly Invitae), Labcorp
Classification: Likely pathogenic. Last evaluated: 2022-12-12. Review status: criteria provided, single submitter. Criteria: Invitae Variant Classification Sherloc (09022015). Collection method: clinical testing. Allele origin: germline.
Comment: In summary, the currently available evidence indicates that the variant is pathogenic, but additional data are needed to prove that conclusively. Therefore, this variant has been classified as Likely Pathogenic. Advanced modeling of protein sequence and biophysical properties (such as structural, functional, and spatial information, amino acid conservation, physicochemical variation, residue mobility, and thermodynamic stability) performed at Invitae indicates that this missense variant is not expected to disrupt GNAS protein function. This missense change has been observed in individual(s) with clinical features of pseudohypoparathyroidism (Invitae). In at least one individual the variant was observed to be de novo. This variant is not present in population databases (gnomAD no frequency). This sequence change replaces valine, which is neutral and non-polar, with glutamic acid, which is acidic and polar, at codon 248 of the GNAS protein (p.Val248Glu).

NM_000516.7(GNAS):c.743T>A (p.Val248Glu)

Gene: GNAS (GNAS complex locus; plus strand). Cytogenetic location: 20q13.32.
Variant type: single nucleotide variant.
Coding change: c.743T>A on transcript NM_000516.7 (MANE Select); coding-DNA position 743, T replaced by A.
Protein change: p.Val248Glu; replaces valine 248 with glutamic acid.
Molecular consequence: missense variant. On other transcripts: 3 prime UTR variant (2).
Genome position (GRCh38, 1-based): chr20:58,909,708, T>A. VCF-style: chr20-58909708-T-A. GRCh37 (hg19) VCF-style: chr20-57484763-T-A.
Other names: c.746T>A, p.Val249Glu (NM_001077488.5); c.698T>A, p.Val233Glu (NM_001077489.4); c.*604T>A (NM_001077490.3); c.566T>A, p.Val189Glu (NM_001309840.2, NM_001309861.2); c.647T>A, p.Val216Glu (NM_001410912.1); c.2627T>A, p.Val876Glu (NM_001410913.1); c.*649T>A (NM_016592.5); c.2672T>A, p.Val891Glu (NM_080425.4); and 1 more; short protein forms V233E, V189E, V249E, V876E, V216E, V248E, V891E, V234E.
Identifiers: ClinVar variation 2115614 (VCV002115614.4), dbSNP rs2517259277, ClinGen allele CA409452473.